The following is an entry in ClinVar:

NM_000218.3(KCNQ1):c.550T>C (p.Tyr184His)

Gene: KCNQ1 (potassium voltage-gated channel subfamily Q member 1; plus strand). Cytogenetic location: 11p15.5.
Variant type: single nucleotide variant.
Coding change: c.550T>C on transcript NM_000218.3 (MANE Select); coding-DNA position 550, T replaced by C.
Protein change: p.Tyr184His; replaces tyrosine 184 with histidine.
Molecular consequence: missense variant.
Genome position (GRCh38, 1-based): chr11:2,570,700, T>C. VCF-style: chr11-2570700-T-C. GRCh37 (hg19) VCF-style: chr11-2591930-T-C.
Other names: p.Y184H:TAC>CAC; c.550T>C (LRG_287t1); c.550T>C, p.Tyr184His (NM_001406836.1); c.280T>C, p.Tyr94His (NM_001406837.1); c.169T>C, p.Tyr57His (NM_181798.2); short protein forms Y184H, Y57H, Y94H.
Identifiers: ClinVar variation 67081 (VCV000067081.12), dbSNP rs199473661, ClinGen allele CA007405.
Genomic context (GRCh38, chr11:2,570,700, plus strand): 5'-GTGGTGTTCTTCGGGACGGAGTACGTGGTCCGCCTCTGGTCCGCCGGCTGCCGCAGCAAG[T>C]ACGTGGGCCTCTGGGGGCGGCTGCGCTTTGCCCGGAAGCCCATTTCCATCATCGGTGAGT-3'
Protein context (NP_000209.2, residues 174-194): RLWSAGCRSK[Tyr184His]VGLWGRLRFA

ClinVar aggregate classification (germline): Likely pathogenic. Review status: criteria provided, multiple submitters, no conflicts (2 of 4 stars). 4 submissions from 4 submitters: Likely pathogenic (3). 1 of the submissions does not count toward it. Last evaluated 2025-07-09.

Conditions:
Cardiac arrhythmia. Also called: Arrhythmia; Cardiac rhythm disease. Identifiers: MedGen C0003811, MONDO:0007263, HP:0011675.
Familial long QT syndrome (RWS). Also called: Congenital long QT syndrome; Romano-Ward syndrome; VENTRICULAR FIBRILLATION WITH PROLONGED QT INTERVAL. Identifiers: Orphanet 768, MedGen C1141890, MONDO:0019171.
Long QT syndrome (LQTS). Identifiers: MedGen C0023976, MeSH D008133, MONDO:0002442. Disease mechanism: loss of function. Inheritance: Various modes of inheritance.

Submissions (4):

Color Diagnostics, LLC DBA Color Health
Classification: Likely pathogenic for Cardiac arrhythmia. Last evaluated: 2025-07-09. Review status: criteria provided, single submitter. Criteria: ACMG Guidelines, 2015. Collection method: clinical testing. Allele origin: germline.
Comment: This missense variant replaces tyrosine with histidine at codon 184 of the KCNQ1 protein. This variant is located within the conserved cytoplasmic linker (a.a. 169-196) of the KCNQ1 protein. Rare non-truncating variants in this region have been shown to be significantly overrepresented in individuals with long QT syndrome (PMID: 32893267). Computational prediction suggests that this variant may have a deleterious impact on protein structure and function. To our knowledge, functional studies have not been reported for this variant. This variant has been reported in an individuals affected with long QT syndrome (PMID: 19716085, 35947370). This variant has not been identified in the general population by the Genome Aggregation Database (gnomAD). A different variant affecting the same codon, p.Tyr184Ser, is considered to be disease-causing (ClinVar variation ID: 53064), suggesting that tyrosine at this position is important for KCNQ1 protein function. Based on the available evidence, this variant is classified as Likely Pathogenic.

Labcorp Genetics (formerly Invitae), Labcorp
Classification: Likely pathogenic for Long QT syndrome. Last evaluated: 2025-02-27. Review status: criteria provided, single submitter. Criteria: Invitae Variant Classification Sherloc (09022015). Collection method: clinical testing. Allele origin: germline.
Comment: This sequence change replaces tyrosine, which is neutral and polar, with histidine, which is basic and polar, at codon 184 of the KCNQ1 protein (p.Tyr184His). This variant is not present in population databases (gnomAD no frequency). This missense change has been observed in individual(s) with clinical features of KCNQ1-related conditions (PMID: 19716085). ClinVar contains an entry for this variant (Variation ID: 67081). Invitae Evidence Modeling of protein sequence and biophysical properties (such as structural, functional, and spatial information, amino acid conservation, physicochemical variation, residue mobility, and thermodynamic stability) indicates that this missense variant is expected to disrupt KCNQ1 protein function with a positive predictive value of 95%. This variant disrupts the p.Tyr184 amino acid residue in KCNQ1. Other variant(s) that disrupt this residue have been determined to be pathogenic (PMID: 10220144, 22949429). This suggests that this residue is clinically significant, and that variants that disrupt this residue are likely to be disease-causing. In summary, the currently available evidence indicates that the variant is pathogenic, but additional data are needed to prove that conclusively. Therefore, this variant has been classified as Likely Pathogenic.

GeneDx
Classification: Likely pathogenic. Last evaluated: 2024-09-30. Review status: criteria provided, single submitter. Criteria: GeneDx Variant Classification Process June 2021. Collection method: clinical testing. Allele origin: germline. Affected: yes.
Comment: Not observed at significant frequency in large population cohorts (gnomAD); In silico analysis supports that this missense variant has a deleterious effect on protein structure/function; This variant is associated with the following publications: (PMID: 19716085)

Cardiovascular Biomedical Research Unit, Royal Brompton & Harefield NHS Foundation Trust
No classification provided. Condition: Familial long QT syndrome. Review status: no classification provided. Collection method: literature only. Allele origin: germline. Not counted in ClinVar's aggregate classification.
Comment: This variant has been reported as associated with Long QT syndrome in the following publications (PMID:19716085). This is a literature report, and does not necessarily reflect the clinical interpretation of the Imperial College / Royal Brompton Cardiovascular Genetics laboratory.

Literature cited by the submitters: PubMed 19716085 (cited by 3 submitters); PubMed 32893267 (cited by Color Diagnostics, LLC DBA Color Health); PubMed 35947370 (cited by Color Diagnostics, LLC DBA Color Health); PubMed 10220144 (cited by Labcorp Genetics (formerly Invitae), Labcorp); PubMed 22949429 (cited by Labcorp Genetics (formerly Invitae), Labcorp); PubMed 22581653 (cited by Cardiovascular Biomedical Research Unit, Royal Brompton & Harefield NHS Foundation Trust).